The following is an entry in ClinVar:

ClinVar aggregate classification (germline): Uncertain significance. Review status: criteria provided, single submitter (1 of 4 stars). 2 submissions from 2 submitters: Uncertain significance (1). 1 of the submissions does not count toward it. Last evaluated 2024-04-05.

Conditions:
GFI1B-related disorder. Also called: GFI1B-related condition.

gnomAD v4.1: 196 of 1,614,070 alleles (0.012%); highest among the groups gnomAD compares: East Asian, 0.12%; 1 homozygote.

Submissions (2):

Blueprint Genetics
Classification: Uncertain significance. Last evaluated: 2024-04-05. Review status: criteria provided, single submitter. Criteria: ACMG Guidelines, 2015. Collection method: clinical testing. Allele origin: germline.

PreventionGenetics, part of Exact Sciences
Classification: Uncertain significance for GFI1B-related condition. Last evaluated: 2024-08-04. Review status: no assertion criteria provided. Collection method: clinical testing. Allele origin: germline. Not counted in ClinVar's aggregate classification.
Comment: The GFI1B c.463C>T variant is predicted to result in the amino acid substitution p.Arg155Cys. To our knowledge, this variant has not been reported in the literature. This variant is reported in 0.096% of alleles in individuals of Latino descent in gnomAD. At this time, the clinical significance of this variant is uncertain due to the absence of conclusive functional and genetic evidence.

NM_001377304.1(GFI1B):c.463C>T (p.Arg155Cys)

Gene: GFI1B (growth factor independent 1B transcriptional repressor; plus strand). Cytogenetic location: 9q34.13.
Variant type: single nucleotide variant.
Coding change: c.463C>T on transcript NM_001377304.1 (MANE Select); coding-DNA position 463, C replaced by T.
Protein change: p.Arg155Cys; replaces arginine 155 with cysteine.
Molecular consequence: missense variant.
Genome position (GRCh38, 1-based): chr9:132,988,421, C>T. VCF-style: chr9-132988421-C-T. GRCh37 (hg19) VCF-style: chr9-135863808-C-T.
Other names: c.463C>T, p.Arg155Cys (NM_001135031.2, NM_001371908.1, NM_001377305.1 and 1 more transcripts); short protein forms R155C.
Identifiers: ClinVar variation 3344667 (VCV003344667.2).